The following is an entry in ClinVar:

NM_001005239.2(OR11H1):c.30T>C (p.Phe10=)

Gene: OR11H1 (olfactory receptor family 11 subfamily H member 1; plus strand). Cytogenetic location: 22q11.1.
Variant type: single nucleotide variant.
Coding change: c.30T>C on transcript NM_001005239.2 (MANE Select); coding-DNA position 30, T replaced by C.
Protein change: p.Phe10=; no amino-acid change (phenylalanine 10 retained).
Molecular consequence: synonymous variant.
Genome position (GRCh38, 1-based): chr22:15,528,221, T>C. VCF-style: chr22-15528221-T-C. GRCh37 (hg19) VCF-style: chr22-16449742-A-G.
Identifiers: ClinVar variation 2652838 (VCV002652838.24), dbSNP rs1171739899, ClinGen allele CA513188843.

ClinVar aggregate classification (germline): Likely benign (1 of 4 stars; one submission).

Submission:

CeGaT Center for Human Genetics Tuebingen
Classification: Likely benign. Last evaluated: 2023-03-01. Review status: criteria provided, single submitter. Criteria: CeGaT Center For Human Genetics Tuebingen Variant Classification Criteria Version 2. Collection method: clinical testing. Allele origin: germline. Affected: yes. Observed: 1 variant allele.
Comment: OR11H1: PM2:Supporting, BP4, BP7